The following is an entry in ClinVar:

NC_000016.10:g.(89799639_89803258)_(89811072_89814519)del

Gene: FANCA (FA complementation group A; minus strand). Cytogenetic location: 16q24.3.
Variant type: Deletion.
Identifiers: ClinVar variation 974091 (VCV000974091.1).

ClinVar aggregate classification (germline): Pathogenic (0 of 4 stars; one submission).

Conditions:
Fanconi anemia complementation group A (FANCA). Also called: Fanconi anemia, group A; FANCA-Related Fanconi Anemia. Identifiers: Orphanet 84, MedGen C3469521, MONDO:0009215, OMIM 227650.

Submission:

Leiden Open Variation Database
Classification: Pathogenic for Fanconi anemia complementation group A. Last evaluated: 2020-02-28. Review status: no assertion criteria provided. Collection method: curation. Allele origin: germline. Affected: yes.
Comment: Curator: Arleen D. Auerbach. Submitter to LOVD: Arleen D. Auerbach.